The following is an entry in ClinVar:

ClinVar aggregate classification (germline): Likely benign. Review status: criteria provided, multiple submitters, no conflicts (2 of 4 stars). 2 submissions from 2 submitters: Likely benign (2). Last evaluated 2026-05-01.

gnomAD v4.1: 4 of 1,613,648 alleles (0.00025%); highest among the groups gnomAD compares: South Asian, 0.0022%; no homozygotes.

Submissions (2):

CeGaT Center for Human Genetics Tuebingen
Classification: Likely benign. Last evaluated: 2026-05-01. Review status: criteria provided, single submitter. Criteria: CeGaT Center For Human Genetics Tuebingen Variant Classification Criteria Version 2. Collection method: clinical testing. Allele origin: germline. Affected: yes. Observed: 1 variant allele.
Comment: ADGRV1: BP4

Labcorp Genetics (formerly Invitae), Labcorp
Classification: Likely benign. Last evaluated: 2022-12-10. Review status: criteria provided, single submitter. Criteria: Invitae Variant Classification Sherloc (09022015). Collection method: clinical testing. Allele origin: germline.

NM_032119.4(ADGRV1):c.15279C>T (p.Asn5093=)

Gene: ADGRV1 (adhesion G protein-coupled receptor V1; plus strand). Cytogenetic location: 5q14.3.
Variant type: single nucleotide variant.
Coding change: c.15279C>T on transcript NM_032119.4 (MANE Select); coding-DNA position 15279, C replaced by T.
Protein change: p.Asn5093=; no amino-acid change (asparagine 5093 retained).
Molecular consequence: synonymous variant. On other transcripts: non-coding transcript variant (1).
Genome position (GRCh38, 1-based): chr5:90,810,539, C>T. VCF-style: chr5-90810539-C-T. GRCh37 (hg19) VCF-style: chr5-90106356-C-T.
Identifiers: ClinVar variation 2802623 (VCV002802623.5), dbSNP rs2532185145, ClinGen allele CA445468118.